The following is an entry in ClinVar:

NM_000337.6(SGCD):c.376A>G (p.Ile126Val)

Gene: SGCD (sarcoglycan delta; plus strand). Cytogenetic location: 5q33.3.
Variant type: single nucleotide variant.
Coding change: c.376A>G on transcript NM_000337.6 (MANE Select); coding-DNA position 376, A replaced by G.
Protein change: p.Ile126Val; replaces isoleucine 126 with valine.
Molecular consequence: missense variant.
Genome position (GRCh38, 1-based): chr5:156,589,312, A>G. VCF-style: chr5-156589312-A-G. GRCh37 (hg19) VCF-style: chr5-156016322-A-G.
Other names: c.373A>G, p.Ile125Val (NM_001128209.2); c.376A>G, p.Ile126Val (NM_172244.3); short protein forms I126V, I125V.
Identifiers: ClinVar variation 1897748 (VCV001897748.3), dbSNP rs2480227743, ClinGen allele CA362008779.

ClinVar aggregate classification (germline): Uncertain significance. Review status: criteria provided, multiple submitters, no conflicts (2 of 4 stars). 2 submissions from 2 submitters: Uncertain significance (2). Last evaluated 2024-06-30.

Conditions:
Autosomal recessive limb-girdle muscular dystrophy type 2F (LGMDR6). Also called: Muscular dystrophy limb-girdle with delta-sarcoglyan deficiency; MUSCULAR DYSTROPHY, LIMB-GIRDLE, AUTOSOMAL RECESSIVE 6. Identifiers: Orphanet 219, MedGen C1832525, MONDO:0011028, OMIM 601287. Disease mechanism: Affects gamma-sarcoglycan and also disrupts the integrity of the entire sarcoglycan complex..
Inborn genetic diseases. Identifiers: MedGen C0950123, MeSH D030342.

Allele frequency attached by ClinVar (database versions not stated): gnomAD exomes below 0.00001.
gnomAD v4.1: 6 of 1,558,470 alleles (0.00038%); highest among the groups gnomAD compares: Non-Finnish European, 0.00052%; no homozygotes.

Submissions (2):

Ambry Genetics
Classification: Uncertain significance for Inborn genetic diseases. Last evaluated: 2024-06-30. Review status: criteria provided, single submitter. Criteria: Ambry Variant Classification Scheme 2023. Collection method: clinical testing. Allele origin: germline.
Comment: The p.I126V variant (also known as c.376A>G), located in coding exon 4 of the SGCD gene, results from an A to G substitution at nucleotide position 376. The isoleucine at codon 126 is replaced by valine, an amino acid with highly similar properties. This amino acid position is conserved. In addition, this alteration is predicted to be tolerated by in silico analysis. Based on the available evidence, the clinical significance of this variant remains unclear.

Labcorp Genetics (formerly Invitae), Labcorp
Classification: Uncertain significance for Autosomal recessive limb-girdle muscular dystrophy type 2F. Last evaluated: 2021-12-23. Review status: criteria provided, single submitter. Criteria: Invitae Variant Classification Sherloc (09022015). Collection method: clinical testing. Allele origin: germline.
Comment: This sequence change replaces isoleucine, which is neutral and non-polar, with valine, which is neutral and non-polar, at codon 126 of the SGCD protein (p.Ile126Val). This variant is not present in population databases (gnomAD no frequency). This variant has not been reported in the literature in individuals affected with SGCD-related conditions. Algorithms developed to predict the effect of missense changes on protein structure and function output the following: SIFT: "Tolerated"; PolyPhen-2: "Benign"; Align-GVGD: "Class C0". The valine amino acid residue is found in multiple mammalian species, which suggests that this missense change does not adversely affect protein function. In summary, the available evidence is currently insufficient to determine the role of this variant in disease. Therefore, it has been classified as a Variant of Uncertain Significance.